The following is an entry in ClinVar:

ClinVar aggregate classification (germline): Conflicting classifications of pathogenicity. Review status: criteria provided, conflicting classifications (1 of 4 stars). 9 submissions from 9 submitters: Likely pathogenic (1); Uncertain significance (8). Last evaluated 2026-08-04.

Conditions:
ALDH7A1-related disorder. Also called: ALDH7A1-related condition.
Inborn genetic diseases. Identifiers: MedGen C0950123, MeSH D030342.
Pyridoxine-dependent epilepsy (EPEO4). Also called: EPILEPSY, EARLY-ONSET, 4, VITAMIN B6-DEPENDENT; Pyridoxine-Dependent Epilepsy - ALDH7A1; PYRIDOXINE DEPENDENCY WITH SEIZURES; Pyridoxine-Dependent Seizures. Identifiers: Orphanet 3006, MedGen C1849508, MONDO:0009945, OMIM 266100. Disease mechanism: loss of function.

Allele frequency attached by ClinVar (database versions not stated): gnomAD exomes 0.00005 and 0.00011; ExAC 0.00014; 1000 Genomes Project 30x 0.00031; gnomAD 0.00054 and 0.00057; ESP Exome Variant Server 0.00056; TOPMed 0.00069.

Submissions (9):

GeneDx
Classification: Uncertain significance. Last evaluated: 2026-08-04. Review status: criteria provided, single submitter. Criteria: GeneDx Variant Classification Process June 2021. Collection method: clinical testing. Allele origin: germline.
Comment: Observed as heterozygous variant in patients with epilepsy in published literature (PMID: 31440721); Frameshift variant predicted to result in protein truncation or nonsense mediated decay in a gene for which loss of function is a known mechanism of disease; This variant is associated with the following publications: (PMID: 31440721)

Women's Health and Genetics/Laboratory Corporation of America, LabCorp
Classification: Uncertain significance. Last evaluated: 2026-03-03. Review status: criteria provided, single submitter. Criteria: LabCorp Variant Classification Summary - May 2015. Collection method: clinical testing. Allele origin: germline.
Comment: Variant summary: ALDH7A1 c.34delG (p.Ala12LeufsX31) results in a premature termination codon, predicted to cause a truncation of the encoded protein or absence of the protein due to nonsense mediated decay, which are commonly known mechanisms for disease. The variant allele was found at a frequency of 0.00011 in 160236 control chromosomes. This frequency is not significantly higher than estimated for disease-causing variants in ALDH7A1, allowing no conclusion about variant significance. c.34delG has been reported in the literature as a pathogenic variant in a heterozygous genotype among individuals within a cohort referred for diagnostic genetic testing for epilepsy (example, Truty_2019). Due to the lack of an informative genotype supporting recessive inheritance and no additional clinical or family history specifications, this report does not provide unequivocal conclusions about association of the variant with Pyridoxine-Dependent Epilepsy. To our knowledge, no experimental evidence demonstrating an impact on protein function has been reported. The following publications have been ascertained in the context of this evaluation (PMID: 30043187, 31440721). ClinVar contains an entry for this variant (Variation ID: 372663). Based on the evidence outlined above, the variant was classified as VUS-possibly pathogenic.

Ambry Genetics
Classification: Uncertain significance for Inborn genetic diseases. Last evaluated: 2025-04-14. Review status: criteria provided, single submitter. Criteria: Ambry Variant Classification Scheme 2023. Collection method: clinical testing. Allele origin: germline.
Comment: May escape nonsense-mediated mRNA decay and/or be rescued by re-initiation Based on insufficient or conflicting evidence, the clinical significance of this alteration remains unclear.

PreventionGenetics, part of Exact Sciences
Classification: Uncertain significance for ALDH7A1-related condition. Last evaluated: 2025-03-04. Review status: criteria provided, single submitter. Criteria: ACMG Guidelines, 2015. Collection method: clinical testing. Allele origin: germline.
Comment: The ALDH7A1 c.34delG variant is predicted to result in a frameshift and premature protein termination (p.Ala12Leufs*31). However, this variant occurs in an alternatively-spliced exon 1, which is only expressed in the mitochondrial isoform of ALDH7A1 (NM_001182.4). This variant is not predicted to affect the cytosolic isoform (NM_001201377.1), which utilizes a downstream start codon (Brocker et al. 2010. PubMed ID: 20207735). Loss-of-function variants in this exon have not been conclusively shown to cause disease. This variant was reported in an individual with epilepsy; however, it was not specified whether a second ALDH7A1 variant was detected (Truty et al. 2019. PubMed ID: 31440721). This variant is reported in 0.12% of alleles in individuals of African descent in gnomAD, which is significantly more common than other known pathogenic ALDH7A1 variants. At this time, the clinical significance of this variant is uncertain due to the absence of conclusive functional and genetic evidence.

Blueprint Genetics
Classification: Uncertain significance. Last evaluated: 2024-08-20. Review status: criteria provided, single submitter. Criteria: ACMG Guidelines, 2015. Collection method: clinical testing. Allele origin: germline.

Fulgent Genetics
Classification: Likely pathogenic for Pyridoxine-dependent epilepsy. Last evaluated: 2024-05-17. Review status: criteria provided, single submitter. Criteria: ACMG Guidelines, 2015. Collection method: clinical testing. Allele origin: germline.

Mendelics
Classification: Uncertain significance. Last evaluated: 2023-04-21. Review status: criteria provided, single submitter. Criteria: Mendelics Assertion Criteria 2019. Collection method: clinical testing. Allele origin: germline.

Labcorp Genetics (formerly Invitae), Labcorp
Classification: Uncertain significance for Pyridoxine-dependent epilepsy. Last evaluated: 2022-11-01. Review status: criteria provided, single submitter. Criteria: Invitae Variant Classification Sherloc (09022015). Collection method: clinical testing. Allele origin: germline.
Comment: This sequence change creates a premature translational stop signal (p.Ala12Leufs*31) in the ALDH7A1 gene. However, it is currently unclear if variants that occur in this region of the gene cause disease. This variant is present in population databases (rs750693623, gnomAD 0.1%). This variant has not been reported in the literature in individuals affected with ALDH7A1-related conditions. ClinVar contains an entry for this variant (Variation ID: 372663). In summary, the available evidence is currently insufficient to determine the role of this variant in disease. Therefore, it has been classified as a Variant of Uncertain Significance.

Eurofins Ntd Llc (ga)
Classification: Uncertain significance. Last evaluated: 2018-03-23. Review status: criteria provided, single submitter. Criteria: EGL ClinVar v180209 classification definitions. Collection method: clinical testing. Allele origin: germline. Observed: 1 variant allele, 1 heterozygote.

Literature cited by the submitters: PubMed 30043187 (cited by Women's Health and Genetics/Laboratory Corporation of America, LabCorp); PubMed 31440721 (cited by Women's Health and Genetics/Laboratory Corporation of America, LabCorp).

NM_001182.5(ALDH7A1):c.34del (p.Ala12fs)

Gene: ALDH7A1 (aldehyde dehydrogenase 7 family member A1; minus strand). Cytogenetic location: 5q23.2.
Variant type: Deletion.
Coding change: c.34del on transcript NM_001182.5 (MANE Select); coding-DNA position 34, one base deleted (G; older notation c.34delG).
Protein change: p.Ala12fs; shifts the reading frame from alanine 12.
Molecular consequence: frameshift variant. On other transcripts: 5 prime UTR variant (1).
Genome position (GRCh38, 1-based): chr5:126,595,165, C deleted on the plus strand (G on the coding strand, the reverse complement: ALDH7A1 is on the minus strand). VCF-style (leftmost placement, unchanged base first): chr5-126595164-GC-G. GRCh37 (hg19) VCF-style: chr5-125930856-GC-G.
Other names: c.34delG (NM_001182.5); c.-51del (NM_001201377.2); c.34del, p.Ala12fs (NM_001202404.2); c.34del (NM_001182.4); short protein forms A12fs.
Identifiers: ClinVar variation 372663 (VCV000372663.33), dbSNP rs750693623, ClinGen allele CA3389938.
Genomic context (GRCh38, chr5:126,595,164, plus strand): 5'-AGAGTGGACATGAAGGCGGCAGGCCTGCTCCAAGGTCCAGAGAGCTTGCTGGTCTTTGCA[GC>G]GTGCACACACAGCGCGCGAGGAAGGCGCCACATACTGAGCCCGGGACTCGGGATGAGCCC-3'